The following is an entry in ClinVar:

NM_002878.4(RAD51D):c.674C>T (p.Ala225Val)

Genes: RAD51L3-RFFL (RAD51L3-RFFL readthrough; minus strand), RAD51D (RAD51 paralog D; minus strand). Cytogenetic location: 17q12.
Variant type: single nucleotide variant.
Coding change: c.674C>T on transcript NM_002878.4 (MANE Select); coding-DNA position 674, C replaced by T.
Protein change: p.Ala225Val; replaces alanine 225 with valine.
Molecular consequence: missense variant. On other transcripts: non-coding transcript variant (3).
Genome position (GRCh38, 1-based): chr17:35,103,318, G>A on the plus strand (C>T on the coding strand, the complement: RAD51D is on the minus strand). VCF-style: chr17-35103318-G-A. GRCh37 (hg19) VCF-style: chr17-33430337-G-A.
Other names: c.734C>T, p.Ala245Val (NM_001142571.2); c.338C>T, p.Ala113Val (NM_133629.3); short protein forms A113V, A225V, A245V.
Identifiers: ClinVar variation 1171745 (VCV001171745.2), dbSNP rs2142418784, ClinGen allele CA399087799.

ClinVar aggregate classification (germline): Uncertain significance (1 of 4 stars; one submission).

Conditions:
Hereditary cancer-predisposing syndrome. Also called: Tumor predisposition; Hereditary neoplastic syndrome; Hereditary Cancer Syndrome; Neoplastic Syndromes, Hereditary. Identifiers: Orphanet 140162, MedGen C0027672, MeSH D009386, MONDO:0015356.

Submission:

Color Diagnostics, LLC DBA Color Health
Classification: Uncertain significance for Hereditary cancer-predisposing syndrome. Last evaluated: 2020-11-16. Review status: criteria provided, single submitter. Criteria: ACMG Guidelines, 2015. Collection method: clinical testing. Allele origin: germline.
Comment: This missense variant replaces alanine with valine at codon 225 of the RAD51D protein. Computational prediction suggests that this variant may not impact protein structure and function (internally defined REVEL score threshold <= 0.5, PMID: 27666373). To our knowledge, functional studies have not been reported for this variant. This variant has not been reported in individuals affected with hereditary cancer in the literature. This variant has not been identified in the general population by the Genome Aggregation Database (gnomAD). The available evidence is insufficient to determine the role of this variant in disease conclusively. Therefore, this variant is classified as a Variant of Uncertain Significance.